The following is an entry in ClinVar:

NM_001105206.3(LAMA4):c.4287+15C>T

Gene: LAMA4 (laminin subunit alpha 4; minus strand). Cytogenetic location: 6q21.
Variant type: single nucleotide variant.
Coding change: c.4287+15C>T on transcript NM_001105206.3 (MANE Select); 15 bases into the intron after coding-DNA position 4287, C replaced by T.
Molecular consequence: intron variant.
Genome position (GRCh38, 1-based): chr6:112,128,907, G>A on the plus strand (C>T on the coding strand, the complement: LAMA4 is on the minus strand). VCF-style: chr6-112128907-G-A. GRCh37 (hg19) VCF-style: chr6-112450109-G-A.
Other names: c.4266+15C>T (NM_002290.5, NM_001105207.3).
Identifiers: ClinVar variation 44386 (VCV000044386.24), dbSNP rs116361180, ClinGen allele CA282385.

ClinVar aggregate classification (germline): Benign. Review status: criteria provided, multiple submitters, no conflicts (2 of 4 stars). 9 submissions from 9 submitters: Benign (7). 2 of the submissions do not count toward it. Last evaluated 2026-02-02.

Conditions:
Dilated cardiomyopathy 1JJ (CMD1JJ). Identifiers: Orphanet 154, MedGen C3808935, MONDO:0014095, OMIM 615235.

Allele frequency attached by ClinVar (database versions not stated): gnomAD 0.01137 and 0.01054; 1000 Genomes Project 30x 0.01312; ExAC 0.00367; 1000 Genomes Project 0.01258; ESP Exome Variant Server 0.01261; gnomAD exomes 0.00131 and 0.00318; TOPMed 0.01222.
gnomAD v4.1: 3,581 of 1,609,270 alleles (0.22%); highest among the groups gnomAD compares: African/African-American, 3.4%; 54 homozygotes.

Submissions (9):

Labcorp Genetics (formerly Invitae), Labcorp
Classification: Benign for Dilated cardiomyopathy 1JJ. Last evaluated: 2026-02-02. Review status: criteria provided, single submitter. Criteria: Invitae Variant Classification Sherloc (09022015). Collection method: clinical testing. Allele origin: germline.

ARUP Laboratories, Molecular Genetics and Genomics, ARUP Laboratories
Classification: Benign for Dilated cardiomyopathy 1JJ. Last evaluated: 2023-11-29. Review status: criteria provided, single submitter. Criteria: ARUP Molecular Germline Variant Investigation Process 2024. Collection method: clinical testing. Allele origin: germline.

Women's Health and Genetics/Laboratory Corporation of America, LabCorp
Classification: Benign. Last evaluated: 2023-08-19. Review status: criteria provided, single submitter. Criteria: LabCorp Variant Classification Summary - May 2015. Collection method: clinical testing. Allele origin: germline.

Fulgent Genetics
Classification: Benign for Dilated cardiomyopathy 1JJ. Last evaluated: 2021-10-12. Review status: criteria provided, single submitter. Criteria: ACMG Guidelines, 2015. Collection method: clinical testing. Allele origin: unknown.

Genome Diagnostics Laboratory, University Medical Center Utrecht
Classification: Benign for Dilated cardiomyopathy 1JJ. Last evaluated: 2014-10-09. Review status: criteria provided, single submitter. Criteria: ACGS Guidelines, 2013. Collection method: clinical testing. Allele origin: germline. Affected: yes. Study: VKGL Data-share Consensus.

GeneDx
Classification: Benign. Last evaluated: 2014-03-25. Review status: criteria provided, single submitter. Criteria: GeneDx Variant Classification (06012015). Collection method: clinical testing. Allele origin: germline. Affected: yes.
Comment: This variant is considered likely benign or benign based on one or more of the following criteria: it is a conservative change, it occurs at a poorly conserved position in the protein, it is predicted to be benign by multiple in silico algorithms, and/or has population frequency not consistent with disease.

Laboratory for Molecular Medicine, Mass General Brigham Personalized Medicine
Classification: Benign. Last evaluated: 2012-04-24. Review status: criteria provided, single submitter. Criteria: LMM Criteria. Collection method: clinical testing. Allele origin: germline. Observed: 31 variant alleles.
Comment: 4266+15C>T in Intron 31 of LAMA4: This variant is not expected to have clinical significance because it is not located within the conserved splice consensus seq uence. It has been identified in 3.7% (138/3738) of African American chromosomes from a broad population by the NHLBI Exome Sequencing Project (rs116361180).

Clinical Genetics, Academic Medical Center
Classification: Benign. Review status: no assertion criteria provided. Collection method: clinical testing. Allele origin: germline. Affected: yes. Study: VKGL Data-share Consensus. Not counted in ClinVar's aggregate classification.

Diagnostic Laboratory, Department of Genetics, University Medical Center Groningen
Classification: Benign for Dilated cardiomyopathy 1JJ. Review status: no assertion criteria provided. Collection method: clinical testing. Allele origin: germline. Affected: yes. Study: VKGL Data-share Consensus. Not counted in ClinVar's aggregate classification.